The following is an entry in ClinVar:

ClinVar aggregate classification (germline): Pathogenic (1 of 4 stars; one submission).

Conditions:
Duchenne muscular dystrophy (DMD). Also called: MUSCULAR DYSTROPHY, PSEUDOHYPERTROPHIC PROGRESSIVE, DUCHENNE TYPE; Duchenne Muscular Dystrophy (DMD). Identifiers: Orphanet 98896, MedGen C0013264, MONDO:0010679, OMIM 310200.

Submission:

Labcorp Genetics (formerly Invitae), Labcorp
Classification: Pathogenic for Duchenne muscular dystrophy. Last evaluated: 2024-01-29. Review status: criteria provided, single submitter. Criteria: Invitae Variant Classification Sherloc (09022015). Collection method: clinical testing. Allele origin: unknown.
Comment: This variant is a gross deletion of the genomic region encompassing exon(s) 48-49 of the DMD gene. This variant would be expected to be in-frame, preserving the integrity of the reading frame. A similar copy number variant has been observed in individuals with Becker muscular dystrophy and/or X-linked dilated cardiomyopathy (PMID: 2063877, 15841391, 21851881). For these reasons, this variant has been classified as Pathogenic.

Literature cited by the submitters: PubMed 2063877; PubMed 15841391; PubMed 21851881.

NC_000023.10:g.(?_31854815)_(31897527_?)del

Gene: DMD (dystrophin; minus strand). Cytogenetic location: Xp21.1.
Variant type: Deletion.
Identifiers: ClinVar variation 3248204 (VCV003248204.1).